The following is an entry in ClinVar:

NM_020964.3(EPG5):c.449G>A (p.Gly150Glu)

Gene: EPG5 (ectopic P-granules 5 autophagy tethering factor; minus strand). Cytogenetic location: 18q21.1.
Variant type: single nucleotide variant.
Coding change: c.449G>A on transcript NM_020964.3 (MANE Select); coding-DNA position 449, G replaced by A.
Protein change: p.Gly150Glu; replaces glycine 150 with glutamic acid.
Molecular consequence: missense variant.
Genome position (GRCh38, 1-based): chr18:45,954,953, C>T on the plus strand (G>A on the coding strand, the complement: EPG5 is on the minus strand). VCF-style: chr18-45954953-C-T. GRCh37 (hg19) VCF-style: chr18-43534919-C-T.
Other names: c.449G>A, p.Gly150Glu (NM_001410858.1, NM_001410859.1); short protein forms G150E.
Identifiers: ClinVar variation 1715052 (VCV001715052.5), dbSNP rs2512128596, ClinGen allele CA402351705.
Genomic context (GRCh38, chr18:45,954,953, plus strand): 5'-ATATTTTCCATTGCTGGCTGAGTATAAGAAAAATTAGATTGGGGTGCACTTTCTGAAAGT[C>T]CACCTTGTACCGACATATTTTCCTCTACCTCTGTGAAGTTCTTGGGGGTTTCTACTTTAG-3'
Protein context (NP_066015.2, residues 140-160): EVEENMSVQG[Gly150Glu]LSESAPQSNF

ClinVar aggregate classification (germline): Uncertain significance (1 of 4 stars; one submission).

Conditions:
Vici syndrome (VICIS). Identifiers: Orphanet 1493, MedGen C1855772, MONDO:0009452, OMIM 242840.

Submission:

Labcorp Genetics (formerly Invitae), Labcorp
Classification: Uncertain significance for Vici syndrome. Last evaluated: 2025-09-02. Review status: criteria provided, single submitter. Criteria: Invitae Variant Classification Sherloc (09022015). Collection method: clinical testing. Allele origin: germline.
Comment: This sequence change replaces glycine, which is neutral and non-polar, with glutamic acid, which is acidic and polar, at codon 150 of the EPG5 protein (p.Gly150Glu). This variant is not present in population databases (gnomAD no frequency). This variant has not been reported in the literature in individuals affected with EPG5-related conditions. ClinVar contains an entry for this variant (Variation ID: 1715052). Invitae Evidence Modeling of protein sequence and biophysical properties (such as structural, functional, and spatial information, amino acid conservation, physicochemical variation, residue mobility, and thermodynamic stability) indicates that this missense variant is not expected to disrupt EPG5 protein function with a negative predictive value of 80%. In summary, the available evidence is currently insufficient to determine the role of this variant in disease. Therefore, it has been classified as a Variant of Uncertain Significance.